The following is an entry in ClinVar:

NM_020312.4(COQ9):c.161C>G (p.Pro54Arg)

Gene: COQ9 (coenzyme Q9; plus strand). Cytogenetic location: 16q21.
Variant type: single nucleotide variant.
Coding change: c.161C>G on transcript NM_020312.4 (MANE Select); coding-DNA position 161, C replaced by G.
Protein change: p.Pro54Arg; replaces proline 54 with arginine.
Molecular consequence: missense variant.
Genome position (GRCh38, 1-based): chr16:57,451,127, C>G. VCF-style: chr16-57451127-C-G. GRCh37 (hg19) VCF-style: chr16-57485039-C-G.
Other names: short protein forms P54R.
Identifiers: ClinVar variation 1468603 (VCV001468603.8), dbSNP rs752172616, ClinGen allele CA396026686.

ClinVar aggregate classification (germline): Uncertain significance (1 of 4 stars; one submission).

Submission:

Labcorp Genetics (formerly Invitae), Labcorp
Classification: Uncertain significance. Last evaluated: 2021-05-17. Review status: criteria provided, single submitter. Criteria: Invitae Variant Classification Sherloc (09022015). Collection method: clinical testing. Allele origin: germline.
Comment: In summary, the available evidence is currently insufficient to determine the role of this variant in disease. Therefore, it has been classified as a Variant of Uncertain Significance. This variant is not present in population databases (ExAC no frequency). This sequence change replaces proline with arginine at codon 54 of the COQ9 protein (p.Pro54Arg). The proline residue is moderately conserved and there is a moderate physicochemical difference between proline and arginine. Algorithms developed to predict the effect of missense changes on protein structure and function (SIFT, PolyPhen-2, Align-GVGD) all suggest that this variant is likely to be tolerated, but these predictions have not been confirmed by published functional studies and their clinical significance is uncertain. This variant has not been reported in the literature in individuals with COQ9-related conditions.